The following is an entry in ClinVar:

NM_001130823.3(DNMT1):c.4460C>T (p.Ala1487Val)

Gene: DNMT1 (DNA methyltransferase 1; minus strand). Cytogenetic location: 19p13.2.
Variant type: single nucleotide variant.
Coding change: c.4460C>T on transcript NM_001130823.3 (MANE Select); coding-DNA position 4460, C replaced by T.
Protein change: p.Ala1487Val; replaces alanine 1487 with valine.
Molecular consequence: missense variant.
Genome position (GRCh38, 1-based): chr19:10,137,114, G>A on the plus strand (C>T on the coding strand, the complement: DNMT1 is on the minus strand). VCF-style: chr19-10137114-G-A. GRCh37 (hg19) VCF-style: chr19-10247790-G-A.
Other names: c.4412C>T, p.Ala1471Val (NM_001318730.2, NM_001379.4); c.4097C>T, p.Ala1366Val (NM_001318731.2); short protein forms A1366V, A1471V, A1487V.
Identifiers: ClinVar variation 1008809 (VCV001008809.8), dbSNP rs1599341193, ClinGen allele CA403969286.

ClinVar aggregate classification (germline): Uncertain significance (1 of 4 stars; one submission).

Conditions:
Hereditary sensory neuropathy-deafness-dementia syndrome. Also called: Hereditary Sensory and Autonomic Neuropathy Type 1E (HSAN1E); HSN IE; Hereditary sensory neuropathy type IE; NEUROPATHY, HEREDITARY SENSORY, WITH HEARING LOSS AND DEMENTIA. Identifiers: Orphanet 456318, MedGen C3279885, MONDO:0013584, OMIM 614116.

Submission:

Labcorp Genetics (formerly Invitae), Labcorp
Classification: Uncertain significance for Hereditary sensory neuropathy-deafness-dementia syndrome. Last evaluated: 2020-08-30. Review status: criteria provided, single submitter. Criteria: Invitae Variant Classification Sherloc (09022015). Collection method: clinical testing. Allele origin: germline.
Comment: Algorithms developed to predict the effect of missense changes on protein structure and function are either unavailable or do not agree on the potential impact of this missense change (SIFT: "Deleterious"; PolyPhen-2: "Benign"; Align-GVGD: "Class C0"). This sequence change replaces alanine with valine at codon 1487 of the DNMT1 protein (p.Ala1487Val). The alanine residue is highly conserved and there is a small physicochemical difference between alanine and valine. This variant is not present in population databases (ExAC no frequency). This variant has not been reported in the literature in individuals with DNMT1-related conditions. In summary, the available evidence is currently insufficient to determine the role of this variant in disease. Therefore, it has been classified as a Variant of Uncertain Significance.